The following is an entry in ClinVar:

NM_182961.4(SYNE1):c.21316G>A (p.Glu7106Lys)

Gene: SYNE1 (spectrin repeat containing nuclear envelope protein 1; minus strand). Cytogenetic location: 6q25.2.
Variant type: single nucleotide variant.
Coding change: c.21316G>A on transcript NM_182961.4 (MANE Select); coding-DNA position 21316, G replaced by A.
Protein change: p.Glu7106Lys; replaces glutamic acid 7106 with lysine.
Molecular consequence: missense variant.
Genome position (GRCh38, 1-based): chr6:152,225,756, C>T on the plus strand (G>A on the coding strand, the complement: SYNE1 is on the minus strand). VCF-style: chr6-152225756-C-T. GRCh37 (hg19) VCF-style: chr6-152546891-C-T.
Other names: c.21103G>A, p.Glu7035Lys (NM_033071.5); short protein forms E7035K, E7106K.
Identifiers: ClinVar variation 4792574 (VCV004792574.1).
Genomic context (GRCh38, chr6:152,225,756, plus strand): 5'-GCTGGCTTTCTGTGAGCAATATTACCATGTGATCTAAATTTGCCCAGGTTTGGCCGAGCT[C>T]TCGCAGTGTGCTCATGACAATGCTAGAGACGTCTTCTTTCTTGTTCTGAATCAAAGCAAG-3'
Protein context (NP_892006.3, residues 7096-7116): VSSIVMSTLR[Glu7106Lys]LGQTWANLDH

ClinVar aggregate classification (germline): Uncertain significance (1 of 4 stars; one submission).

Conditions:
Emery-Dreifuss muscular dystrophy 4, autosomal dominant (EDMD4). Also called: EMERY-DREIFUSS MUSCULAR DYSTROPHY 4 WITH VARIABLE FEATURES. Identifiers: Orphanet 261, MedGen C2751807, MONDO:0013071, OMIM 612998.
Autosomal recessive ataxia, Beauce type. Also called: Spinocerebellar ataxia, autosomal recessive 8; ATAXIA, RECESSIVE, OF BEAUCE; SYNE1 Deficiency; SYNE1-Related Autosomal Recessive Cerebellar Ataxia. Identifiers: Orphanet 88644, MedGen C1853116, MONDO:0012549, OMIM 610743.

Submission:

Labcorp Genetics (formerly Invitae), Labcorp
Classification: Uncertain significance for Emery-Dreifuss muscular dystrophy 4, autosomal dominant; Autosomal recessive ataxia, Beauce type. Last evaluated: 2025-12-15. Review status: criteria provided, single submitter. Criteria: Invitae Variant Classification Sherloc (09022015). Collection method: clinical testing. Allele origin: germline.
Comment: This sequence change replaces glutamic acid, which is acidic and polar, with lysine, which is basic and polar, at codon 7035 of the SYNE1 protein (p.Glu7035Lys). This variant is present in population databases (rs780698906, gnomAD 0.0009%). This variant has not been reported in the literature in individuals affected with SYNE1-related conditions. An algorithm developed to predict the effect of missense changes on protein structure and function outputs the following: PolyPhen-2: "Benign". The lysine amino acid residue is found in multiple mammalian species, which suggests that this missense change does not adversely affect protein function. In summary, the available evidence is currently insufficient to determine the role of this variant in disease. Therefore, it has been classified as a Variant of Uncertain Significance.